The following is an entry in ClinVar:

NM_000400.4(ERCC2):c.87A>C (p.Lys29Asn)

Gene: ERCC2 (ERCC excision repair 2, TFIIH core complex helicase subunit; minus strand). Cytogenetic location: 19q13.32.
Variant type: single nucleotide variant.
Coding change: c.87A>C on transcript NM_000400.4 (MANE Select); coding-DNA position 87, A replaced by C.
Protein change: p.Lys29Asn; replaces lysine 29 with asparagine.
Molecular consequence: missense variant.
Genome position (GRCh38, 1-based): chr19:45,370,151, T>G on the plus strand (A>C on the coding strand, the complement: ERCC2 is on the minus strand). VCF-style: chr19-45370151-T-G. GRCh37 (hg19) VCF-style: chr19-45873409-T-G.
Other names: c.15A>C, p.Lys5Asn (NM_001130867.2); short protein forms K29N, K5N.
Identifiers: ClinVar variation 1764699 (VCV001764699.2), dbSNP rs2514048407, ClinGen allele CA406379873.

ClinVar aggregate classification (germline): Uncertain significance (1 of 4 stars; one submission).

Conditions:
Inborn genetic diseases. Identifiers: MedGen C0950123, MeSH D030342.

Submission:

Ambry Genetics
Classification: Uncertain significance for Inborn genetic diseases. Last evaluated: 2021-12-11. Review status: criteria provided, single submitter. Criteria: Ambry Variant Classification Scheme 2023. Collection method: clinical testing. Allele origin: germline.
Comment: The p.K29N variant (also known as c.87A>C), located in coding exon 2 of the ERCC2 gene, results from an A to C substitution at nucleotide position 87. The lysine at codon 29 is replaced by asparagine, an amino acid with similar properties. This amino acid position is conserved. In addition, the in silico prediction for this alteration is inconclusive. Since supporting evidence is limited at this time, the clinical significance of this alteration remains unclear.